The following is an entry in ClinVar:

NM_003239.5(TGFB3):c.455G>A (p.Arg152Gln)

Gene: TGFB3 (transforming growth factor beta 3; minus strand). Cytogenetic location: 14q24.3.
Variant type: single nucleotide variant.
Coding change: c.455G>A on transcript NM_003239.5 (MANE Select); coding-DNA position 455, G replaced by A.
Protein change: p.Arg152Gln; replaces arginine 152 with glutamine.
Molecular consequence: missense variant.
Genome position (GRCh38, 1-based): chr14:75,971,616, C>T on the plus strand (G>A on the coding strand, the complement: TGFB3 is on the minus strand). VCF-style: chr14-75971616-C-T. GRCh37 (hg19) VCF-style: chr14-76437959-C-T.
Other names: c.455G>A, p.Arg152Gln (NM_001329938.2, NM_001329939.2); short protein forms R152Q.
Identifiers: ClinVar variation 3709731 (VCV003709731.3).

ClinVar aggregate classification (germline): Uncertain significance. Review status: criteria provided, multiple submitters, no conflicts (2 of 4 stars). 2 submissions from 2 submitters: Uncertain significance (2). Last evaluated 2025-05-16.

Conditions:
Rienhoff syndrome. Also called: LOEYS-DIETZ SYNDROME 5. Identifiers: MedGen C3810012, MONDO:0014262, OMIM 615582.

Submissions (2):

GeneDx
Classification: Uncertain significance. Last evaluated: 2025-05-16. Review status: criteria provided, single submitter. Criteria: GeneDx Variant Classification Process June 2021. Collection method: clinical testing. Allele origin: germline. Affected: yes.
Comment: Not observed at significant frequency in large population cohorts (gnomAD); In silico analysis supports that this missense variant has a deleterious effect on protein structure/function; Has not been previously published as pathogenic or benign to our knowledge

Labcorp Genetics (formerly Invitae), Labcorp
Classification: Uncertain significance for Rienhoff syndrome. Last evaluated: 2024-09-29. Review status: criteria provided, single submitter. Criteria: Invitae Variant Classification Sherloc (09022015). Collection method: clinical testing. Allele origin: germline.
Comment: This sequence change replaces arginine, which is basic and polar, with glutamine, which is neutral and polar, at codon 152 of the TGFB3 protein (p.Arg152Gln). This variant is present in population databases (rs774715190, gnomAD 0.0009%). This variant has not been reported in the literature in individuals affected with TGFB3-related conditions. Invitae Evidence Modeling of protein sequence and biophysical properties (such as structural, functional, and spatial information, amino acid conservation, physicochemical variation, residue mobility, and thermodynamic stability) indicates that this missense variant is expected to disrupt TGFB3 protein function with a positive predictive value of 80%. In summary, the available evidence is currently insufficient to determine the role of this variant in disease. Therefore, it has been classified as a Variant of Uncertain Significance.